The following is an entry in ClinVar:

NM_001035.3(RYR2):c.12796A>C (p.Lys4266Gln)

Genes: RYR2 (ryanodine receptor 2; plus strand), LOC126806068 (BRD4-independent group 4 enhancer GRCh37_chr1:237947411-237948610; plus strand). Cytogenetic location: 1q43.
Variant type: single nucleotide variant.
Coding change: c.12796A>C on transcript NM_001035.3 (MANE Select); coding-DNA position 12796, A replaced by C.
Protein change: p.Lys4266Gln; replaces lysine 4266 with glutamine.
Molecular consequence: missense variant.
Genome position (GRCh38, 1-based): chr1:237,784,508, A>C. VCF-style: chr1-237784508-A-C. GRCh37 (hg19) VCF-style: chr1-237947808-A-C.
Other names: short protein forms K4266Q.
Identifiers: ClinVar variation 3071827 (VCV003071827.1), dbSNP rs2527792265, ClinGen allele CA345414226.

ClinVar aggregate classification (germline): Uncertain significance (1 of 4 stars; one submission).

Conditions:
Catecholaminergic polymorphic ventricular tachycardia (CVPT). Also called: Catecholamine-induced polymorphic ventricular tachycardia. Identifiers: Orphanet 3286, MedGen C5574922, MONDO:0017990.

gnomAD v4.1: 1 of 1,613,724 alleles (0.000062%); no homozygotes.

Submission:

All of Us Research Program, National Institutes of Health
Classification: Uncertain significance for Catecholaminergic polymorphic ventricular tachycardia. Last evaluated: 2023-06-28. Review status: criteria provided, single submitter. Criteria: ACMG Guidelines, 2015. Collection method: clinical testing. Allele origin: germline. Inheritance: Autosomal dominant inheritance. Observed: 1 variant allele, 1 heterozygote.
Comment: This study involves interpretation of variants in research participants for the purpose of population health screening. Participant phenotype was not available at the time of variant classification. Additional details can be found in publication PMID: 35346344, PMCID: PMC8962531